The following is an entry in ClinVar:

ClinVar aggregate classification (germline): Likely pathogenic (1 of 4 stars; one submission).

Conditions:
Pendred syndrome (PDS). Also called: Pendred Syndrome (PDS); THYROID DYSHORMONOGENESIS 2B; THYROID HORMONOGENESIS, GENETIC DEFECT IN, 2B; DEAFNESS WITH GOITER; GOITER-DEAFNESS SYNDROME; HYPOTHYROIDISM, CONGENITAL, DUE TO DYSHORMONOGENESIS, 2B. Identifiers: Orphanet 705, MedGen C0271829, MONDO:0010134, OMIM 274600.

Submission:

Women's Health and Genetics/Laboratory Corporation of America, LabCorp
Classification: Likely pathogenic for Pendred syndrome. Last evaluated: 2024-12-03. Review status: criteria provided, single submitter. Criteria: LabCorp Variant Classification Summary - May 2015. Collection method: clinical testing. Allele origin: germline.
Comment: Variant summary: SLC26A4 c.419C>A (p.Pro140His) results in a non-conservative amino acid change in the encoded protein sequence. Five of five in-silico tools predict a damaging effect of the variant on protein function. The variant was absent in 251454 control chromosomes (gnomAD). c.419C>A has been reported in the literature in individuals affected with Pendred Syndrome (Pera_2008). These data indicate that the variant may be associated with disease. At least one publication reports experimental evidence evaluating an impact on protein function, finding that the variant results in no ion transport activity (Pera_2008). The following publication has been ascertained in the context of this evaluation (PMID: 19017801). No submitters have cited clinical-significance assessments for this variant to ClinVar. Based on the evidence outlined above, the variant was classified as likely pathogenic.

Literature cited by the submitters: PubMed 19017801.

NM_000441.2(SLC26A4):c.419C>A (p.Pro140His)

Gene: SLC26A4 (solute carrier family 26 member 4; plus strand). Cytogenetic location: 7q22.3.
Variant type: single nucleotide variant.
Coding change: c.419C>A on transcript NM_000441.2 (MANE Select); coding-DNA position 419, C replaced by A.
Protein change: p.Pro140His; replaces proline 140 with histidine.
Molecular consequence: missense variant.
Genome position (GRCh38, 1-based): chr7:107,674,167, C>A. VCF-style: chr7-107674167-C-A. GRCh37 (hg19) VCF-style: chr7-107314612-C-A.
Other names: short protein forms P140H.
Identifiers: ClinVar variation 3768304 (VCV003768304.1).